The following is an entry in ClinVar:

NM_003070.5(SMARCA2):c.1259G>T (p.Arg420Leu)

Gene: SMARCA2 (SWI/SNF related BAF chromatin remodeling complex subunit ATPase 2; plus strand). Cytogenetic location: 9p24.3.
Variant type: single nucleotide variant.
Coding change: c.1259G>T on transcript NM_003070.5 (MANE Select); coding-DNA position 1259, G replaced by T.
Protein change: p.Arg420Leu; replaces arginine 420 with leucine.
Molecular consequence: missense variant.
Genome position (GRCh38, 1-based): chr9:2,056,757, G>T. VCF-style: chr9-2056757-G-T. GRCh37 (hg19) VCF-style: chr9-2056757-G-T.
Other names: c.1259G>T, p.Arg420Leu (NM_139045.4, NM_001289396.2, NM_001289397.2); short protein forms R420L.
Identifiers: ClinVar variation 4851403 (VCV004851403.1).

ClinVar aggregate classification (germline): Uncertain significance (1 of 4 stars; one submission).

Conditions:
Blepharophimosis-impaired intellectual development syndrome. Identifiers: Orphanet 637013, MedGen C5443984, MONDO:0859139, OMIM 619293.
Nicolaides-Baraitser syndrome (NCBRS). Also called: SMARCA2-Related Nicolaides-Baraitser Syndrome; Intellectual disability-sparse hair-brachydactyly syndrome. Identifiers: Orphanet 3051, MedGen C1303073, MONDO:0011053, OMIM 601358.

Submission:

Institute of Immunology and Genetics Kaiserslautern
Classification: Uncertain significance for Blepharophimosis-impaired intellectual development syndrome; Nicolaides-Baraitser syndrome. Last evaluated: 2026-01-19. Review status: criteria provided, single submitter. Criteria: ACMG Guidelines, 2015. Collection method: clinical testing. Allele origin: germline. Affected: yes.
Comment: ACMG Criteria: PM2_P, PM5; Variant was found in hemizygous state.